The following is an entry in ClinVar:

NM_001378454.1(ALMS1):c.478C>T (p.Gln160Ter)

Gene: ALMS1 (ALMS1 centrosome and basal body associated protein; plus strand). Cytogenetic location: 2p13.1.
Variant type: single nucleotide variant.
Coding change: c.478C>T on transcript NM_001378454.1 (MANE Select); coding-DNA position 478, C replaced by T.
Protein change: p.Gln160Ter; replaces glutamine 160 with a stop codon.
Molecular consequence: nonsense.
Genome position (GRCh38, 1-based): chr2:73,419,150, C>T. VCF-style: chr2-73419150-C-T. GRCh37 (hg19) VCF-style: chr2-73646278-C-T.
Other names: c.481C>T, p.Gln161Ter (NM_015120.4); short protein forms Q160*, Q161*.
Identifiers: ClinVar variation 1725803 (VCV001725803.5), dbSNP rs1671237172, ClinGen allele CA347258892.

ClinVar aggregate classification (germline): Pathogenic/Likely pathogenic. Review status: criteria provided, multiple submitters, no conflicts (2 of 4 stars). 2 submissions from 2 submitters: Pathogenic (1); Likely pathogenic (1). Last evaluated 2023-06-28.

Conditions:
Alstrom syndrome (ALMS). Identifiers: Orphanet 64, MedGen C0268425, MONDO:0008763, OMIM 203800.

Allele frequency attached by ClinVar (database versions not stated): gnomAD 0.00001.
gnomAD v4.1: 1 of 1,613,874 alleles (0.000062%); highest among the groups gnomAD compares: African/African-American, 0.0013%; no homozygotes.

Submissions (2):

Labcorp Genetics (formerly Invitae), Labcorp
Classification: Pathogenic for Alstrom syndrome. Last evaluated: 2023-06-28. Review status: criteria provided, single submitter. Criteria: Invitae Variant Classification Sherloc (09022015). Collection method: clinical testing. Allele origin: germline.
Comment: For these reasons, this variant has been classified as Pathogenic. ClinVar contains an entry for this variant (Variation ID: 1725803). This variant has not been reported in the literature in individuals affected with ALMS1-related conditions. This variant is not present in population databases (gnomAD no frequency). This sequence change creates a premature translational stop signal (p.Gln161*) in the ALMS1 gene. It is expected to result in an absent or disrupted protein product. Loss-of-function variants in ALMS1 are known to be pathogenic (PMID: 17594715).

Myriad Genetics, Inc.
Classification: Likely pathogenic for Alstrom syndrome. Last evaluated: 2022-04-01. Review status: criteria provided, single submitter. Criteria: Myriad Women's Health Autosomal Recessive and X-Linked Classification Criteria (2021). Collection method: clinical testing. Allele origin: unknown.
Comment: NM_015120.4(ALMS1):c.481C>T(Q161*) is expected to be pathogenic in the context of Alstrom syndrome. This variant is predicted to lead to an abnormal or absent protein product due to the creation of a premature termination codon in ALMS1, a gene where loss-of-function variants are known to be pathogenic. Please note: this variant was assessed in the context of healthy population screening.

Literature cited by the submitters: PubMed 17594715 (cited by Labcorp Genetics (formerly Invitae), Labcorp).